The following is an entry in ClinVar:

ClinVar aggregate classification (germline): Uncertain significance (1 of 4 stars; one submission).

Allele frequency attached by ClinVar (database versions not stated): TOPMed 0.00001.

Submission:

GeneDx
Classification: Uncertain significance. Last evaluated: 2022-09-07. Review status: criteria provided, single submitter. Criteria: GeneDx Variant Classification Process June 2021. Collection method: clinical testing. Allele origin: germline. Affected: yes.
Comment: Not observed at significant frequency in large population cohorts (gnomAD); In silico analysis supports that this missense variant does not alter protein structure/function; Has not been previously published as pathogenic or benign to our knowledge

NM_018060.4(IARS2):c.353C>T (p.Ala118Val)

Gene: IARS2 (isoleucyl-tRNA synthetase 2, mitochondrial; plus strand). Cytogenetic location: 1q41.
Variant type: single nucleotide variant.
Coding change: c.353C>T on transcript NM_018060.4 (MANE Select); coding-DNA position 353, C replaced by T.
Protein change: p.Ala118Val; replaces alanine 118 with valine.
Molecular consequence: missense variant.
Genome position (GRCh38, 1-based): chr1:220,096,189, C>T. VCF-style: chr1-220096189-C-T. GRCh37 (hg19) VCF-style: chr1-220269531-C-T.
Other names: short protein forms A118V.
Identifiers: ClinVar variation 2443457 (VCV002443457.1), dbSNP rs1226346684, ClinGen allele CA344620660.